The following is an entry in ClinVar:

NM_001370694.2(ANO7):c.1459-5G>A

Gene: ANO7 (anoctamin 7; plus strand). Cytogenetic location: 2q37.3.
Variant type: single nucleotide variant.
Coding change: c.1459-5G>A on transcript NM_001370694.2 (MANE Select); 5 bases into the intron before coding-DNA position 1459, G replaced by A.
Molecular consequence: intron variant.
Genome position (GRCh38, 1-based): chr2:241,210,463, G>A. VCF-style: chr2-241210463-G-A. GRCh37 (hg19) VCF-style: chr2-242149878-G-A.
Other names: c.1621-5G>A (NM_001001891.3).
Identifiers: ClinVar variation 784593 (VCV000784593.28), dbSNP rs145834243, ClinGen allele CA2215205.

ClinVar aggregate classification (germline): Benign. Review status: criteria provided, multiple submitters, no conflicts (2 of 4 stars). 3 submissions from 3 submitters: Benign (3). Last evaluated 2023-08-01.

Allele frequency attached by ClinVar (database versions not stated): 1000 Genomes Project 30x 0.00187; 1000 Genomes Project 0.00220; TOPMed 0.00651; ESP Exome Variant Server 0.00861.
gnomAD v4.1: 15,250 of 1,613,966 alleles (0.94%); highest among the groups gnomAD compares: Non-Finnish European, 1.2%; 100 homozygotes.

Submissions (3):

CeGaT Center for Human Genetics Tuebingen
Classification: Benign. Last evaluated: 2023-08-01. Review status: criteria provided, single submitter. Criteria: CeGaT Center For Human Genetics Tuebingen Variant Classification Criteria Version 2. Collection method: clinical testing. Allele origin: germline. Affected: yes. Observed: 1 variant allele.
Comment: ANO7: BP4, BS1, BS2

Labcorp Genetics (formerly Invitae), Labcorp
Classification: Benign. Last evaluated: 2018-03-29. Review status: criteria provided, single submitter. Criteria: Invitae Variant Classification Sherloc (09022015). Collection method: clinical testing. Allele origin: germline.

Breakthrough Genomics
Classification: Benign. Review status: criteria provided, single submitter. Criteria: ACMG Guidelines, 2015. Collection method: not provided. Allele origin: germline. Inheritance: Unknown mechanism. Affected: yes.